The following is an entry in ClinVar:

NM_015915.5(ATL1):c.375A>G (p.Ile125Met)

Gene: ATL1 (atlastin GTPase 1; plus strand). Cytogenetic location: 14q22.1.
Variant type: single nucleotide variant.
Coding change: c.375A>G on transcript NM_015915.5 (MANE Select); coding-DNA position 375, A replaced by G.
Protein change: p.Ile125Met; replaces isoleucine 125 with methionine.
Molecular consequence: missense variant.
Genome position (GRCh38, 1-based): chr14:50,591,033, A>G. VCF-style: chr14-50591033-A-G. GRCh37 (hg19) VCF-style: chr14-51057751-A-G.
Other names: c.375A>G, p.Ile125Met (NM_001127713.1, NM_181598.4); short protein forms I125M.
Identifiers: ClinVar variation 2195111 (VCV002195111.4), dbSNP rs748035787, ClinGen allele CA7180217.

ClinVar aggregate classification (germline): Uncertain significance (1 of 4 stars; one submission).

Conditions:
Hereditary spastic paraplegia 3A (SPG3A). Also called: Spastic Paraplegia 3A; Spastic paraplegia 3A, autosomal dominant; SPASTIC PARAPLEGIA 3, AUTOSOMAL DOMINANT; FAMILIAL SPASTIC PARAPLEGIA, AUTOSOMAL DOMINANT, 1; SPG3; STRUMPELL DISEASE. Identifiers: Orphanet 100984, MedGen C2931355, MONDO:0008437, OMIM 182600.

Allele frequency attached by ClinVar (database versions not stated): gnomAD exomes below 0.00001; ExAC 0.00001; gnomAD 0.00001; TOPMed 0.00002.
gnomAD v4.1: 2 of 1,613,590 alleles (0.00012%); highest among the groups gnomAD compares: East Asian, 0.0022%; no homozygotes.

Submission:

Labcorp Genetics (formerly Invitae), Labcorp
Classification: Uncertain significance for Hereditary spastic paraplegia 3A. Last evaluated: 2022-05-20. Review status: criteria provided, single submitter. Criteria: Invitae Variant Classification Sherloc (09022015). Collection method: clinical testing. Allele origin: germline.
Comment: The frequency data for this variant in the population databases is considered unreliable, as metrics indicate poor data quality at this position in the gnomAD database. This sequence change replaces isoleucine, which is neutral and non-polar, with methionine, which is neutral and non-polar, at codon 125 of the ATL1 protein (p.Ile125Met). This variant has not been reported in the literature in individuals affected with ATL1-related conditions. In summary, the available evidence is currently insufficient to determine the role of this variant in disease. Therefore, it has been classified as a Variant of Uncertain Significance. Algorithms developed to predict the effect of missense changes on protein structure and function (SIFT, PolyPhen-2, Align-GVGD) all suggest that this variant is likely to be tolerated.